The following is an entry in ClinVar:

ClinVar aggregate classification (germline): Uncertain significance. Review status: criteria provided, multiple submitters, no conflicts (2 of 4 stars). 2 submissions from 2 submitters: Uncertain significance (2). Last evaluated 2024-11-03.

Submissions (2):

Labcorp Genetics (formerly Invitae), Labcorp
Classification: Uncertain significance. Last evaluated: 2024-11-03. Review status: criteria provided, single submitter. Criteria: Invitae Variant Classification Sherloc (09022015). Collection method: clinical testing. Allele origin: germline.
Comment: This sequence change replaces glycine, which is neutral and non-polar, with aspartic acid, which is acidic and polar, at codon 388 of the BEST1 protein (p.Gly388Asp). This variant is not present in population databases (gnomAD no frequency). This variant has not been reported in the literature in individuals affected with BEST1-related conditions. Invitae Evidence Modeling of protein sequence and biophysical properties (such as structural, functional, and spatial information, amino acid conservation, physicochemical variation, residue mobility, and thermodynamic stability) has been performed for this missense variant. However, the output from this modeling did not meet the statistical confidence thresholds required to predict the impact of this variant on BEST1 protein function. In summary, the available evidence is currently insufficient to determine the role of this variant in disease. Therefore, it has been classified as a Variant of Uncertain Significance.

Blueprint Genetics
Classification: Uncertain significance. Last evaluated: 2017-08-02. Review status: criteria provided, single submitter. Criteria: ACMG Guidelines, 2015. Collection method: clinical testing. Allele origin: germline.

NM_004183.4(BEST1):c.1163G>A (p.Gly388Asp)

Gene: BEST1 (bestrophin 1; plus strand). Cytogenetic location: 11q12.3.
Variant type: single nucleotide variant.
Coding change: c.1163G>A on transcript NM_004183.4 (MANE Select); coding-DNA position 1163, G replaced by A.
Protein change: p.Gly388Asp; replaces glycine 388 with aspartic acid.
Molecular consequence: missense variant. On other transcripts: non-coding transcript variant (1).
Genome position (GRCh38, 1-based): chr11:61,962,317, G>A. VCF-style: chr11-61962317-G-A. GRCh37 (hg19) VCF-style: chr11-61729789-G-A.
Other names: c.983G>A, p.Gly328Asp (NM_001139443.3, NM_001300787.2); c.902G>A, p.Gly301Asp (NM_001300786.2); c.845G>A, p.Gly282Asp (NM_001363591.3); c.*58G>A (NM_001363592.2); c.191G>A, p.Gly64Asp (NM_001363593.3); short protein forms G282D, G64D, G328D, G388D, G301D.
Identifiers: ClinVar variation 3684328 (VCV003684328.3).